The following is an entry in ClinVar:

ClinVar aggregate classification (germline): Benign. Review status: criteria provided, multiple submitters, no conflicts (2 of 4 stars). 20 submissions from 18 submitters: Benign (15). 5 of the submissions do not count toward it. Last evaluated 2026-02-04.

Conditions:
Cardiovascular phenotype. Identifiers: MedGen CN230736.
Hypercholesterolemia, autosomal dominant, type B (FHCL2). Also called: Familial Hypercholesterolemia Type B; APOLIPOPROTEIN B-100, FAMILIAL DEFECTIVE; APOLIPOPROTEIN B-100, FAMILIAL LIGAND-DEFECTIVE; HYPERCHOLESTEROLEMIA, FAMILIAL, DUE TO LIGAND-DEFECTIVE APOLIPOPROTEIN B; Hyperlipoproteinemia Type IIb; Familial hypercholesterolemia 2. Identifiers: MedGen C1704417, MONDO:0007751, OMIM 144010.
Familial hypobetalipoproteinemia 1. Also called: Hypobetalipoproteinemia, normotriglyceridemic; Acanthocytosis with hypobetalipoproteinemia; APOB-Related Familial Hypobetalipoproteinemia. Identifiers: MedGen C4551990, MONDO:0014252, OMIM 615558.
Familial hypercholesterolemia. Also called: Familial hypercholesterolemias; Familial hypercholesterolaemia. Identifiers: MedGen C0020445, MONDO:0005439.
Hypercholesterolemia, familial, 1. Also called: LDL RECEPTOR DISORDER; Hyperlipoproteinemia Type IIa; HYPER-LOW-DENSITY-LIPOPROTEINEMIA; HYPERCHOLESTEROLEMIC XANTHOMATOSIS, FAMILIAL; Fredrickson type IIa hyperlipoproteinemia; Hyperlipoproteinemia type 2. Identifiers: Orphanet 391665, MedGen C0745103, MONDO:0007750, OMIM 143890.
Warfarin response. Also called: Warfarin sensitivity; COUMARIN SENSITIVITY; COUMARIN, POOR METABOLISM OF; WARFARIN RESISTANCE; Coumarin resistance; Coumadin response. Identifiers: MedGen C0750384, MONDO:0007390, OMIM 122700.

Allele frequency attached by ClinVar (database versions not stated): 1000 Genomes Project 0.25100; 1000 Genomes Project 30x 0.25859; TOPMed 0.37522; gnomAD 0.38001 and 0.38722; gnomAD exomes 0.38855 and 0.46912; ExAC 0.38994; ESP Exome Variant Server 0.41389.

Submissions (20):

Labcorp Genetics (formerly Invitae), Labcorp
Classification: Benign for Familial hypobetalipoproteinemia 1; Hypercholesterolemia, autosomal dominant, type B. Last evaluated: 2026-02-04. Review status: criteria provided, single submitter. Criteria: Invitae Variant Classification Sherloc (09022015). Collection method: clinical testing. Allele origin: germline.

ARUP Laboratories, Molecular Genetics and Genomics, ARUP Laboratories
Classification: Benign. Last evaluated: 2025-07-30. Review status: criteria provided, single submitter. Criteria: ARUP Molecular Germline Variant Investigation Process 2024. Collection method: clinical testing. Allele origin: germline.

Molecular Diagnostic Laboratory for Inherited Cardiovascular Disease, Montreal Heart Institute
Classification: Benign. Last evaluated: 2025-04-09. Review status: criteria provided, single submitter. Criteria: ACMG Guidelines, 2015. Collection method: clinical testing. Allele origin: germline. Affected: no.

Blueprint Genetics
Classification: Benign. Last evaluated: 2024-11-26. Review status: criteria provided, single submitter. Criteria: ACMG Guidelines, 2015. Collection method: clinical testing. Allele origin: germline.

GENinCode PLC
Classification: Benign for Familial hypercholesterolemia. Last evaluated: 2022-06-21. Review status: criteria provided, single submitter. Criteria: ACMG Guidelines, 2015. Collection method: clinical testing. Allele origin: germline.

Genome-Nilou Lab
Classification: Benign for Hypercholesterolemia, autosomal dominant, type B. Last evaluated: 2021-07-14. Review status: criteria provided, single submitter. Criteria: ACMG Guidelines, 2015. Collection method: clinical testing. Allele origin: germline. Affected: no.

Genome-Nilou Lab
Classification: Benign for Familial hypobetalipoproteinemia 1. Last evaluated: 2021-07-14. Review status: criteria provided, single submitter. Criteria: ACMG Guidelines, 2015. Collection method: clinical testing. Allele origin: germline. Affected: no.

Illumina Laboratory Services, Illumina
Classification: Benign for Hypercholesterolemia, autosomal dominant, type B. Last evaluated: 2018-01-13. Review status: criteria provided, single submitter. Criteria: ICSL Variant Classification Criteria 13 December 2019. Collection method: clinical testing. Allele origin: germline.
Comment: This variant was observed in the ICSL laboratory as part of a predisposition screen in an ostensibly healthy population. It had not been previously curated by ICSL or reported in the Human Gene Mutation Database (HGMD: prior to June 1st, 2018), and was therefore a candidate for classification through an automated scoring system. Utilizing variant allele frequency, disease prevalence and penetrance estimates, and inheritance mode, an automated score was calculated to assess if this variant is too frequent to cause the disease. Based on the score and internal cut-off values, a variant classified as benign is not then subjected to further curation. The score for this variant resulted in a classification of benign for this disease.

Illumina Laboratory Services, Illumina
Classification: Benign for Familial hypobetalipoproteinemia 1. Last evaluated: 2018-01-13. Review status: criteria provided, single submitter. Criteria: ICSL Variant Classification Criteria 13 December 2019. Collection method: clinical testing. Allele origin: germline.
Comment: the same text as in the submission from Illumina Laboratory Services, Illumina above.

Color Diagnostics, LLC DBA Color Health
Classification: Benign for Familial hypercholesterolemia. Last evaluated: 2017-06-27. Review status: criteria provided, single submitter. Criteria: ACMG Guidelines, 2015. Collection method: clinical testing. Allele origin: germline.

GeneDx
Classification: Benign. Last evaluated: 2016-10-07. Review status: criteria provided, single submitter. Criteria: GeneDx Variant Classification (06012015). Collection method: clinical testing. Allele origin: germline. Affected: yes.
Comment: This variant is considered likely benign or benign based on one or more of the following criteria: it is a conservative change, it occurs at a poorly conserved position in the protein, it is predicted to be benign by multiple in silico algorithms, and/or has population frequency not consistent with disease.

Ambry Genetics
Classification: Benign for Cardiovascular phenotype. Last evaluated: 2015-12-10. Review status: criteria provided, single submitter. Criteria: Ambry Variant Classification Scheme 2023. Collection method: clinical testing. Allele origin: germline.

Mayo Clinic Laboratories, Mayo Clinic
Classification: Benign. Last evaluated: 2014-02-26. Review status: criteria provided, single submitter. Criteria: ACMG Guidelines, 2015. Collection method: clinical testing. Allele origin: germline. Observed: 904 variant alleles.

Breakthrough Genomics
Classification: Benign. Review status: criteria provided, single submitter. Criteria: ACMG Guidelines, 2015. Collection method: not provided. Allele origin: germline. Inheritance: Autosomal recessive inheritance. Affected: yes.

PreventionGenetics, part of Exact Sciences
Classification: Benign. Review status: criteria provided, single submitter. Criteria: ACMG Guidelines, 2015. Collection method: clinical testing. Allele origin: germline.

Cohesion Phenomics
Classification: Benign for Familial Hypercholesterolemia. Last evaluated: 2022-09-19. Review status: no assertion criteria provided. Criteria: ACMG Guidelines, 2015. Collection method: clinical testing. Allele origin: germline. Affected: yes. Not counted in ClinVar's aggregate classification.

Pharmacogenomics Lab, Chungbuk National University
Classification: drug response for Warfarin response. Last evaluated: 2010-08-31. Review status: no assertion criteria provided. Collection method: research. Allele origin: unknown. Affected: no. Observed: 139 variant alleles. Not counted in ClinVar's aggregate classification.

Clinical Genetics, Academic Medical Center
Classification: Benign. Review status: no assertion criteria provided. Collection method: clinical testing. Allele origin: germline. Affected: yes. Study: VKGL Data-share Consensus. Not counted in ClinVar's aggregate classification.

Diagnostic Laboratory, Department of Genetics, University Medical Center Groningen
Classification: Benign. Review status: no assertion criteria provided. Collection method: clinical testing. Allele origin: germline. Affected: yes. Study: VKGL Data-share Consensus. Not counted in ClinVar's aggregate classification.

Genetic Services Laboratory, University of Chicago
Classification: Likely benign for AllHighlyPenetrant. Review status: no assertion criteria provided. Collection method: clinical testing. Allele origin: germline. Inheritance: Autosomal dominant inheritance. Not counted in ClinVar's aggregate classification.
Comment: Likely benign based on allele frequency in 1000 Genomes Project or ESP global frequency and its presence in a patient with a rare or unrelated disease phenotype. NOT Sanger confirmed.

NM_000384.3(APOB):c.7545C>T (p.Thr2515=)

Gene: APOB (apolipoprotein B; minus strand). Cytogenetic location: 2p24.1.
Variant type: single nucleotide variant.
Coding change: c.7545C>T on transcript NM_000384.3 (MANE Select); coding-DNA position 7545, C replaced by T.
Protein change: p.Thr2515=; no amino-acid change (threonine 2515 retained).
Molecular consequence: synonymous variant.
Genome position (GRCh38, 1-based): chr2:21,009,323, G>A on the plus strand (C>T on the coding strand, the complement: APOB is on the minus strand). VCF-style: chr2-21009323-G-A. GRCh37 (hg19) VCF-style: chr2-21232195-G-A.
Other names: p.Thr2515=.
Identifiers: ClinVar variation 128425 (VCV000128425.50), dbSNP rs693, ClinGen allele CA022913.